The following is an entry in ClinVar:

NM_001378454.1(ALMS1):c.11846_11849del (p.Lys3949fs)

Gene: ALMS1 (ALMS1 centrosome and basal body associated protein; plus strand). Cytogenetic location: 2p13.1.
Variant type: Deletion.
Coding change: c.11846_11849del on transcript NM_001378454.1 (MANE Select); coding-DNA positions 11846 to 11849, 4 bases deleted (AAAA; older notation c.11846_11849delAAAA).
Protein change: p.Lys3949fs; shifts the reading frame from lysine 3949.
Molecular consequence: frameshift variant.
Genome position (GRCh38, 1-based): chr2:73,600,855-73,600,858, AAAA deleted; deleting any 4 consecutive bases within chr2:73,600,853-73,600,858 gives the same sequence; the c. name uses the placement nearest the transcript's 3' end. VCF-style (leftmost placement, unchanged base first): chr2-73600852-TAAAA-T. GRCh37 (hg19) VCF-style: chr2-73827979-TAAAA-T.
Other names: c.11849_11852del, p.Lys3950fs (NM_015120.4); short protein forms K3949fs, K3950fs.
Identifiers: ClinVar variation 1417245 (VCV001417245.6), dbSNP rs765718672, ClinGen allele CA1261033196.

ClinVar aggregate classification (germline): Pathogenic (1 of 4 stars; one submission).

Conditions:
Alstrom syndrome (ALMS). Identifiers: Orphanet 64, MedGen C0268425, MONDO:0008763, OMIM 203800.

Submission:

Labcorp Genetics (formerly Invitae), Labcorp
Classification: Pathogenic for Alstrom syndrome. Last evaluated: 2021-08-22. Review status: criteria provided, single submitter. Criteria: Invitae Variant Classification Sherloc (09022015). Collection method: clinical testing. Allele origin: germline.
Comment: This sequence change creates a premature translational stop signal (p.Lys3950Argfs*42) in the ALMS1 gene. It is expected to result in an absent or disrupted protein product. Loss-of-function variants in ALMS1 are known to be pathogenic (PMID: 17594715). This variant is not present in population databases (ExAC no frequency). This variant has not been reported in the literature in individuals affected with ALMS1-related conditions. For these reasons, this variant has been classified as Pathogenic.

Literature cited by the submitters: PubMed 17594715.